The following is an entry in ClinVar:

NM_000256.3(MYBPC3):c.2265C>A (p.Asn755Lys)

Gene: MYBPC3 (myosin binding protein C3; minus strand). Cytogenetic location: 11p11.2.
Variant type: single nucleotide variant.
Coding change: c.2265C>A on transcript NM_000256.3 (MANE Select); coding-DNA position 2265, C replaced by A.
Protein change: p.Asn755Lys; replaces asparagine 755 with lysine.
Molecular consequence: missense variant.
Genome position (GRCh38, 1-based): chr11:47,338,563, G>T on the plus strand (C>A on the coding strand, the complement: MYBPC3 is on the minus strand). VCF-style: chr11-47338563-G-T. GRCh37 (hg19) VCF-style: chr11-47360114-G-T.
Other names: c.2265C>A, p.Asn755Lys (LRG_386t1); short protein forms N755K.
Identifiers: ClinVar variation 407308 (VCV000407308.14), dbSNP rs1060501474, ClinGen allele CA16613387.

ClinVar aggregate classification (germline): Pathogenic/Likely pathogenic. Review status: criteria provided, multiple submitters, no conflicts (2 of 4 stars). 4 submissions from 4 submitters: Pathogenic (1); Likely pathogenic (3). Last evaluated 2025-10-02.

Conditions:
Cardiovascular phenotype. Identifiers: MedGen CN230736.
Hypertrophic cardiomyopathy 4. Also called: Familial hypertrophic cardiomyopathy 4. Identifiers: MedGen C1861862, MONDO:0007268, OMIM 115197.
Hypertrophic cardiomyopathy. Also called: HYPERTROPHIC MYOCARDIOPATHY. Identifiers: Orphanet 217569, MedGen C0007194, MeSH D002312, MONDO:0005045, HP:0001639.

Allele frequency attached by ClinVar (database versions not stated): gnomAD exomes below 0.00001.
gnomAD v4.1: 2 of 1,614,022 alleles (0.00012%); highest among the groups gnomAD compares: Non-Finnish European, 0.000085%; no homozygotes.

Submissions (4):

Ambry Genetics
Classification: Likely pathogenic for Cardiovascular phenotype. Last evaluated: 2025-10-02. Review status: criteria provided, single submitter. Criteria: Ambry Variant Classification Scheme 2023. Collection method: clinical testing. Allele origin: germline.
Comment: The p.N755K variant (also known as c.2265C>A), located in coding exon 23 of the MYBPC3 gene, results from a C to A substitution at nucleotide position 2265. The asparagine at codon 755 is replaced by lysine, an amino acid with similar properties. This variant was identified in one or more individuals with features consistent with hypertrophic cardiomyopathy, segregated with disease in at least one family, and was determined to be de novo in at least one individual (Yu B et al. J Med Genet, 1998 Mar;35:183-8; Yu B et al. J Med Genet, 1998 Mar;35:205-10; Rudziski T et al. Kardiol Pol, 2008 Aug;66:821-5; discussion 826-7; Walsh R et al. Genet Med, 2017 02;19:192-203; Gal DB et al. Pediatr Cardiol. 2022 Mar;43(3):616-623; Ambry internal data). This amino acid position is highly conserved in available vertebrate species. In addition, the in silico prediction for this alteration is inconclusive. Based on the majority of available evidence to date, this variant is likely to be pathogenic.

3billion
Classification: Likely pathogenic for Hypertrophic cardiomyopathy 4. Last evaluated: 2024-08-01. Review status: criteria provided, single submitter. Criteria: ACMG Guidelines, 2015. Collection method: clinical testing. Allele origin: germline. Affected: yes.
Comment: The variant is observed at an extremely low frequency in the gnomAD v4.0.0 dataset (total allele frequency: <0.001%). Predicted Consequence/Location: Missense variant In silico tool predictions suggest damaging effect of the variant on gene or gene product [REVEL: 0.73 (>=0.6, sensitivity 0.68 and specificity 0.92)]. The same nucleotide change resulting in the same amino acid change has been previously reported to be associated with MYBPC3 related disorder (ClinVar ID: VCV000407308 /PMID: 9541104 /3billion dataset).The variant has been reported to co-segregate with the disease in at least 7 similarly affected relatives/individuals in at least two unrelated families (PMID: 18803133, 9541104). Therefore, this variant is classified as Likely pathogenic according to the recommendation of ACMG/AMP guideline.

Labcorp Genetics (formerly Invitae), Labcorp
Classification: Pathogenic for Hypertrophic cardiomyopathy. Last evaluated: 2024-05-27. Review status: criteria provided, single submitter. Criteria: Invitae Variant Classification Sherloc (09022015). Collection method: clinical testing. Allele origin: germline.
Comment: This sequence change replaces asparagine, which is neutral and polar, with lysine, which is basic and polar, at codon 755 of the MYBPC3 protein (p.Asn755Lys). This variant is present in population databases (no rsID available, gnomAD 0.0009%). This missense change has been observed in individuals with hypertrophic cardiomyopathy (PMID: 9541100, 9541104, 18803133; Invitae). It has also been observed to segregate with disease in related individuals. ClinVar contains an entry for this variant (Variation ID: 407308). An algorithm developed to predict the effect of missense changes on protein structure and function (PolyPhen-2) suggests that this variant is likely to be disruptive. Experimental studies have shown that this missense change affects MYBPC3 function (PMID: 12386147, 12787675). For these reasons, this variant has been classified as Pathogenic.

North West Genomic Laboratory Hub, Manchester University NHS Foundation Trust
Classification: Likely pathogenic for Hypertrophic cardiomyopathy 4. Last evaluated: 2024-02-15. Review status: criteria provided, single submitter. Criteria: ACGS Best Practice Guidelines for Variant Classification in Rare Disease 2020. Collection method: clinical testing. Allele origin: germline. Affected: yes.
Comment: PM2_Mod PP1_Mod PS2_Mod PS3_Supp PS4_Supp

Literature cited by the submitters: PubMed 12386140 (cited by Ambry Genetics and North West Genomic Laboratory Hub, Manchester University NHS Foundation Trust); PubMed 12386147 (cited by 3 submitters); PubMed 15166115 (cited by Ambry Genetics and North West Genomic Laboratory Hub, Manchester University NHS Foundation Trust); PubMed 15370892 (cited by Ambry Genetics); PubMed 18803133 (cited by 4 submitters); PubMed 21310275 (cited by Ambry Genetics and North West Genomic Laboratory Hub, Manchester University NHS Foundation Trust); PubMed 22173300 (cited by Ambry Genetics and North West Genomic Laboratory Hub, Manchester University NHS Foundation Trust); PubMed 27532257 (cited by Ambry Genetics and North West Genomic Laboratory Hub, Manchester University NHS Foundation Trust); PubMed 34714385 (cited by Ambry Genetics); PubMed 38042491 (cited by Ambry Genetics and North West Genomic Laboratory Hub, Manchester University NHS Foundation Trust); PubMed 9541100 (cited by 3 submitters); PubMed 9541104 (cited by 4 submitters); PubMed 12787675 (cited by Labcorp Genetics (formerly Invitae), Labcorp and North West Genomic Laboratory Hub, Manchester University NHS Foundation Trust); PubMed 37652022 (cited by North West Genomic Laboratory Hub, Manchester University NHS Foundation Trust).